The following is an entry in ClinVar:

NM_004329.3(BMPR1A):c.*3G>C

Gene: BMPR1A (bone morphogenetic protein receptor type 1A; plus strand). Cytogenetic location: 10q23.2.
Variant type: single nucleotide variant.
Coding change: c.*3G>C on transcript NM_004329.3 (MANE Select); 3 bases downstream of the stop codon, G replaced by C.
Molecular consequence: 3 prime UTR variant. On other transcripts: non-coding transcript variant (3).
Genome position (GRCh38, 1-based): chr10:86,923,722, G>C. VCF-style: chr10-86923722-G-C. GRCh37 (hg19) VCF-style: chr10-88683479-G-C.
Other names: c.*3G>C (NM_001406559.1, NM_001406560.1, NM_001406561.1 and 28 more transcripts).
Identifiers: ClinVar variation 3379021 (VCV003379021.1).

ClinVar aggregate classification (germline): Benign (1 of 4 stars; one submission).

Conditions:
Juvenile polyposis syndrome (JPS). Identifiers: Orphanet 2929, MedGen C0345893, MONDO:0017380, OMIM 174900.

Submission:

Myriad Genetics, Inc.
Classification: Benign for Juvenile polyposis syndrome. Last evaluated: 2024-09-25. Review status: criteria provided, single submitter. Criteria: Myriad Autosomal Dominant, Autosomal Recessive and X-Linked Classification Criteria (2023). Collection method: clinical testing. Allele origin: unknown.
Comment: This variant is considered benign. This variant occurs in the non-coding 3' untranslated region of the gene, and is not expected to impact protein function.